The following is an entry in ClinVar:

NM_000051.4(ATM):c.2597T>C (p.Val866Ala)

Gene: ATM (ATM serine/threonine kinase; plus strand). Cytogenetic location: 11q22.3.
Variant type: single nucleotide variant.
Coding change: c.2597T>C on transcript NM_000051.4 (MANE Select); coding-DNA position 2597, T replaced by C.
Protein change: p.Val866Ala; replaces valine 866 with alanine.
Molecular consequence: missense variant.
Genome position (GRCh38, 1-based): chr11:108,267,301, T>C. VCF-style: chr11-108267301-T-C. GRCh37 (hg19) VCF-style: chr11-108138028-T-C.
Other names: c.2597T>C, p.Val866Ala (NM_001351834.2); short protein forms V866A.
Identifiers: ClinVar variation 4617782 (VCV004617782.1).

ClinVar aggregate classification (germline): Uncertain significance (1 of 4 stars; one submission).

Conditions:
Hereditary cancer-predisposing syndrome. Also called: Neoplastic Syndromes, Hereditary; Tumor predisposition; Hereditary Cancer Syndrome; Hereditary neoplastic syndrome. Identifiers: Orphanet 140162, MedGen C0027672, MeSH D009386, MONDO:0015356.

Submission:

Ambry Genetics
Classification: Uncertain significance for Hereditary cancer-predisposing syndrome. Last evaluated: 2025-10-16. Review status: criteria provided, single submitter. Criteria: Ambry Variant Classification Scheme 2023. Collection method: clinical testing. Allele origin: germline.
Comment: The p.V866A variant (also known as c.2597T>C), located in coding exon 16 of the ATM gene, results from a T to C substitution at nucleotide position 2597. The valine at codon 866 is replaced by alanine, an amino acid with similar properties. This amino acid position is conserved. In addition, this alteration is predicted to be tolerated by in silico analysis. Based on the available evidence, the clinical significance of this variant remains unclear.